The following is an entry in ClinVar:

ClinVar aggregate classification (germline): Uncertain significance (1 of 4 stars; one submission).

Conditions:
Idiopathic generalized epilepsy. Also called: EIG; Generalised epilepsy. Identifiers: MedGen C0270850, MONDO:0005579, OMIM 600669.

Allele frequency attached by ClinVar (database versions not stated): ExAC 0.00002; gnomAD 0.00005; TOPMed 0.00008.

Submission:

Labcorp Genetics (formerly Invitae), Labcorp
Classification: Uncertain significance for Idiopathic generalized epilepsy. Last evaluated: 2022-08-29. Review status: criteria provided, single submitter. Criteria: Invitae Variant Classification Sherloc (09022015). Collection method: clinical testing. Allele origin: germline.
Comment: In summary, the available evidence is currently insufficient to determine the role of this variant in disease. Therefore, it has been classified as a Variant of Uncertain Significance. Algorithms developed to predict the effect of missense changes on protein structure and function are either unavailable or do not agree on the potential impact of this missense change (SIFT: "Tolerated"; PolyPhen-2: "Possibly Damaging"; Align-GVGD: "Class C0"). This variant has not been reported in the literature in individuals affected with RBFOX1-related conditions. The frequency data for this variant in the population databases is considered unreliable, as metrics indicate poor data quality at this position in the gnomAD database. This sequence change replaces alanine, which is neutral and non-polar, with threonine, which is neutral and polar, at codon 283 of the RBFOX1 protein (p.Ala283Thr).

NM_018723.4(RBFOX1):c.787G>A (p.Ala263Thr)

Gene: RBFOX1 (RNA binding fox-1 homolog 1; plus strand). Cytogenetic location: 16p13.3.
Variant type: single nucleotide variant.
Coding change: c.787G>A on transcript NM_018723.4 (MANE Select); coding-DNA position 787, G replaced by A.
Protein change: p.Ala263Thr; replaces alanine 263 with threonine.
Molecular consequence: missense variant.
Genome position (GRCh38, 1-based): chr16:7,653,844, G>A. VCF-style: chr16-7653844-G-A. GRCh37 (hg19) VCF-style: chr16-7703846-G-A.
Other names: c.706G>A, p.Ala236Thr (NM_001142333.2); c.787G>A, p.Ala263Thr (NM_001142334.2, NM_001364800.2); c.916G>A, p.Ala306Thr (NM_001308117.1, NM_001411047.1, NM_001415891.1 and 1 more transcripts); c.1384G>A, p.Ala462Thr (NM_001415887.1); c.1303G>A, p.Ala435Thr (NM_001415888.1); c.895G>A, p.Ala299Thr (NM_001415889.1, NM_001415892.1, NM_001415894.1 and 1 more transcripts); c.862G>A, p.Ala288Thr (NM_001415890.1, NM_001415893.1, NM_001415899.1 and 1 more transcripts); c.847G>A, p.Ala283Thr (NM_001415896.1, NM_001415904.1, NM_145891.3 and 2 more transcripts); and 12 more; short protein forms A241T, A256T, A306T, A462T, A232T, A236T, A238T, A248T.
Identifiers: ClinVar variation 2073594 (VCV002073594.4), dbSNP rs777651404, ClinGen allele CA7891706.
Genomic context (GRCh38, chr16:7,653,844, plus strand): 5'-CTCTCTCTCTCTCTCTCCTCTTGCCCCGCAGTGCCAGGCTTCCCGTATCCAGCAGCCACC[G>A]CCGCGGCCGCCTACCGAGGGGCGCACCTGCGAGGCCGCGGTCGCACCGTGTACAACACCT-3'
Protein context (NP_061193.2, residues 253-273): MPGFPYPAAT[Ala263Thr]AAAYRGAHLR